The following is an entry in ClinVar:

NM_004629.2(FANCG):c.292C>A (p.Arg98=)

Gene: FANCG (FA complementation group G; minus strand). Cytogenetic location: 9p13.3.
Variant type: single nucleotide variant.
Coding change: c.292C>A on transcript NM_004629.2 (MANE Select); coding-DNA position 292, C replaced by A.
Protein change: p.Arg98=; no amino-acid change (arginine 98 retained).
Molecular consequence: synonymous variant.
Genome position (GRCh38, 1-based): chr9:35,078,620, G>T on the plus strand (C>A on the coding strand, the complement: FANCG is on the minus strand). VCF-style: chr9-35078620-G-T. GRCh37 (hg19) VCF-style: chr9-35078617-G-T.
Identifiers: ClinVar variation 913140 (VCV000913140.23), dbSNP rs532525154, ClinGen allele CA464602891.

ClinVar aggregate classification (germline): Conflicting classifications of pathogenicity. Review status: criteria provided, conflicting classifications (1 of 4 stars). 4 submissions from 4 submitters: Uncertain significance (1); Likely benign (3). Last evaluated 2024-12-03.

Conditions:
Fanconi anemia complementation group G. Also called: FANCG-Related Fanconi Anemia; Fanconi anemia group G. Identifiers: Orphanet 84, MedGen C3469527, MONDO:0013565, OMIM 614082.
Inborn genetic diseases. Identifiers: MedGen C0950123, MeSH D030342.
Fanconi anemia (FA). Also called: Fanconi's anemia. Identifiers: Orphanet 84, MedGen C0015625, MeSH D005199, MONDO:0019391.

gnomAD v4.1: 1 of 1,614,146 alleles (0.000062%); highest among the groups gnomAD compares: Non-Finnish European, 0.000085%; no homozygotes.

Submissions (4):

Ambry Genetics
Classification: Likely benign for Inborn genetic diseases. Last evaluated: 2024-12-03. Review status: criteria provided, single submitter. Criteria: Ambry Variant Classification Scheme 2023. Collection method: clinical testing. Allele origin: germline.

CeGaT Center for Human Genetics Tuebingen
Classification: Likely benign. Last evaluated: 2024-09-01. Review status: criteria provided, single submitter. Criteria: CeGaT Center For Human Genetics Tuebingen Variant Classification Criteria Version 2. Collection method: clinical testing. Allele origin: germline. Affected: yes. Observed: 1 variant allele.
Comment: FANCG: BP4, BP7

Labcorp Genetics (formerly Invitae), Labcorp
Classification: Likely benign for Fanconi anemia. Last evaluated: 2023-12-20. Review status: criteria provided, single submitter. Criteria: Invitae Variant Classification Sherloc (09022015). Collection method: clinical testing. Allele origin: germline.

Illumina Laboratory Services, Illumina
Classification: Uncertain significance for Fanconi anemia complementation group G. Last evaluated: 2018-01-13. Review status: criteria provided, single submitter. Criteria: ICSL Variant Classification Criteria 13 December 2019. Collection method: clinical testing. Allele origin: germline.